The following is an entry in ClinVar:

ClinVar aggregate classification (germline): Uncertain significance (1 of 4 stars; one submission).

gnomAD v4.1: 4 of 1,584,556 alleles (0.00025%); highest among the groups gnomAD compares: South Asian, 0.0012%; no homozygotes.

Submission:

Ambry Genetics
Classification: Uncertain significance. Last evaluated: 2025-02-21. Review status: criteria provided, single submitter. Criteria: Ambry Variant Classification Scheme 2023. Collection method: clinical testing. Allele origin: germline.
Comment: The p.L1421P variant (also known as c.4262T>C), located in coding exon 14 of the CDK12 gene, results from a T to C substitution at nucleotide position 4262. The leucine at codon 1421 is replaced by proline, an amino acid with similar properties. This amino acid position is conserved. In addition, this alteration is predicted to be tolerated by in silico analysis. Based on the available evidence, the clinical significance of this variant remains unclear.

NM_016507.4(CDK12):c.4262T>C (p.Leu1421Pro)

Gene: CDK12 (cyclin dependent kinase 12; plus strand). Cytogenetic location: 17q12.
Variant type: single nucleotide variant.
Coding change: c.4262T>C on transcript NM_016507.4 (MANE Select); coding-DNA position 4262, T replaced by C.
Protein change: p.Leu1421Pro; replaces leucine 1421 with proline.
Molecular consequence: missense variant.
Genome position (GRCh38, 1-based): chr17:39,531,105, T>C. VCF-style: chr17-39531105-T-C. GRCh37 (hg19) VCF-style: chr17-37687358-T-C.
Other names: c.4235T>C, p.Leu1412Pro (NM_015083.4); short protein forms L1412P, L1421P.
Identifiers: ClinVar variation 3830695 (VCV003830695.1).